The following is an entry in ClinVar:

NM_212482.4(FN1):c.3125A>G (p.Tyr1042Cys)

Gene: FN1 (fibronectin 1; minus strand). Cytogenetic location: 2q35.
Variant type: single nucleotide variant.
Coding change: c.3125A>G on transcript NM_212482.4 (MANE Select); coding-DNA position 3125, A replaced by G.
Protein change: p.Tyr1042Cys; replaces tyrosine 1042 with cysteine.
Molecular consequence: missense variant.
Genome position (GRCh38, 1-based): chr2:215,404,517, T>C on the plus strand (A>G on the coding strand, the complement: FN1 is on the minus strand). VCF-style: chr2-215404517-T-C. GRCh37 (hg19) VCF-style: chr2-216269240-T-C.
Other names: c.3125A>G, p.Tyr1042Cys (NM_001306129.2, NM_001306130.2, NM_001306131.2 and 13 more transcripts); short protein forms Y1042C.
Identifiers: ClinVar variation 3671042 (VCV003671042.2).

ClinVar aggregate classification (germline): Uncertain significance (1 of 4 stars; one submission).

gnomAD v4.1: 8 of 1,614,158 alleles (0.0005%); highest among the groups gnomAD compares: Admixed American, 0.013%; 1 homozygote.

Submission:

Labcorp Genetics (formerly Invitae), Labcorp
Classification: Uncertain significance. Last evaluated: 2024-07-06. Review status: criteria provided, single submitter. Criteria: Invitae Variant Classification Sherloc (09022015). Collection method: clinical testing. Allele origin: germline.
Comment: This sequence change replaces tyrosine, which is neutral and polar, with cysteine, which is neutral and slightly polar, at codon 1042 of the FN1 protein (p.Tyr1042Cys). This variant is present in population databases (rs532737231, gnomAD 0.009%). This variant has not been reported in the literature in individuals affected with FN1-related conditions. Advanced modeling of protein sequence and biophysical properties (such as structural, functional, and spatial information, amino acid conservation, physicochemical variation, residue mobility, and thermodynamic stability) performed at Invitae indicates that this missense variant is not expected to disrupt FN1 protein function with a negative predictive value of 80%. In summary, the available evidence is currently insufficient to determine the role of this variant in disease. Therefore, it has been classified as a Variant of Uncertain Significance.